The following is an entry in ClinVar:

ClinVar aggregate classification (germline): Uncertain significance. Review status: reviewed by expert panel (3 of 4 stars). 5 submissions from 5 submitters: Uncertain significance (1). 4 of the submissions do not count toward it. Last evaluated 2025-09-08.

Conditions:
Centronuclear myopathy (CNM). Also called: Centronuclear myopathy, congenital; Myotubular myopathy. Identifiers: Orphanet 595, MedGen C0175709, MONDO:0018947. Inheritance: All.

Submissions (5):

ClinGen Congenital Myopathies Variant Curation Expert Panel, ClinGen
Classification: Uncertain significance for Centronuclear myopathy. Last evaluated: 2025-09-08. Review status: reviewed by expert panel. Criteria: ClinGen CongenMyopathy ACMG Specifications MTM1 V1.0.0. Collection method: curation. Allele origin: germline. Inheritance: X-linked inheritance.
Comment: The NM_000252.3:c.1291G>A (p.Asp431Asn) variant in MTM1 is a missense variant predicted to cause substitution of aspartate by asparagine at amino acid 431. This variant is absent from gnomAD v4.1 (PM2_Supporting). The computational predictor REVEL gives a score of 0.476, which is neither above nor below the thresholds predicting a damaging or benign impact on MTM1 function. In summary, this variant meets the criteria to be classified as variant of uncertain significance for X-linked centronuclear myopathy based on the ACMG/AMP criteria applied, as specified by the ClinGen Congenital Myopathies VCEP: PM2_supporting (ClinGen Congenital Myopathies VCEP specifications version 1.0.0; 9/8/2025

Laboratory for Molecular Medicine, Mass General Brigham Personalized Medicine
Classification: Uncertain significance. Last evaluated: 2017-05-23. Review status: criteria provided, single submitter. Criteria: ACMG Guidelines, 2015. Collection method: clinical testing. Allele origin: germline. Not counted in ClinVar's aggregate classification.
Comment: Please note, it is unclear if these two variants occurred independently or as a single event (p.Asp431_Asp433delinsAsnAlaAsn). Both variants were absent from large population studies. Computational prediction tools and conservation analyses suggest that the p.Asp431Asn variant may impact the protein, though this information is not predictive enough to determine pathogenicity. In summary, the clinical significance of the p.Asp431Asn variant is uncertain.

Genetic Services Laboratory, University of Chicago
Classification: Uncertain significance. Last evaluated: 2017-05-22. Review status: criteria provided, single submitter. Criteria: ACMG Guidelines, 2015. Collection method: clinical testing. Allele origin: germline. Affected: no. Not counted in ClinVar's aggregate classification.

Eurofins Ntd Llc (ga)
Classification: Uncertain significance. Last evaluated: 2017-05-16. Review status: criteria provided, single submitter. Criteria: EGL Classification Definitions 2015. Collection method: clinical testing. Allele origin: germline. Observed: 2 variant alleles, 1 heterozygote, 1 hemizygote. Not counted in ClinVar's aggregate classification.

GeneDx
Classification: Likely pathogenic. Last evaluated: 2015-04-29. Review status: criteria provided, single submitter. Criteria: GeneDx Variant Classification (06012015). Collection method: clinical testing. Allele origin: germline. Affected: yes. Not counted in ClinVar's aggregate classification.
Comment: The D431N variant was reported in cis with a second D433N variant, however the two missense variants are nearby and therefore would be considered as an insertion deletion alteration c.1291_1297delGATGCTGinsAATGCTA using alternate nomenclature. The D431N variant was not observed in approximately 6500 individuals of European and African American ancestry in the NHLBI Exome Sequencing Project, indicating it is not a common benign variant in these populations. The D431N variant is a semi-conservative amino acid substitution, which may impact secondary protein structure as these residues differ in some properties. This substitution occurs at a position that is conserved across species. In silico analysis is inconsistent in its predictions as to whether or not the variant is damaging to the protein structure/function. A missense variant in a nearby residue (R421Q) has been reported in the Human Gene Mutation Database in association with X-linked recessive myotubular myopathy (Stenson et al., 2014), supporting the functional importance of this region of the protein. The D431N variant is a strong candidate for a disease-causing variant, however the possibility it may be a rare benign variant cannot be excluded

Literature cited by the submitters: PubMed 9305655 (cited by Laboratory for Molecular Medicine, Mass General Brigham Personalized Medicine).

NM_000252.3(MTM1):c.1291G>A (p.Asp431Asn)

Gene: MTM1 (myotubularin 1; plus strand). Cytogenetic location: Xq28.
Variant type: single nucleotide variant.
Coding change: c.1291G>A on transcript NM_000252.3 (MANE Select); coding-DNA position 1291, G replaced by A.
Protein change: p.Asp431Asn; replaces aspartic acid 431 with asparagine.
Molecular consequence: missense variant.
Genome position (GRCh38, 1-based): chrX:150,659,694, G>A. VCF-style: chrX-150659694-G-A. GRCh37 (hg19) VCF-style: chrX-149828167-G-A.
Other names: NM_000252.3(MTM1):c.1291G>A; c.1291G>A, p.Asp431Asn (NM_001376906.1, NM_001376908.1); c.1180G>A, p.Asp394Asn (NM_001376907.1); short protein forms D431N, D394N.
Identifiers: ClinVar variation 281932 (VCV000281932.13), dbSNP rs886044782, ClinGen allele CA10604009.
Genomic context (GRCh38, chrX:150,659,694, plus strand): 5'-AAAACAAATTATCTTCATCAATTTATTCAGCGAATAGGTCATGGTGATAAAAACCACACC[G>A]ATGCTGACCGTTCTCCTATTTTTCTCCAGTTTATTGATTGTGTGTGGCAAATGTCAAAAC-3'
Protein context (NP_000243.1, residues 421-441): RIGHGDKNHT[Asp431Asn]ADRSPIFLQF